The following is an entry in ClinVar:

ClinVar aggregate classification (germline): Uncertain significance (1 of 4 stars; one submission).

Conditions:
Bardet-Biedl syndrome (BBS). Identifiers: Orphanet 110, MedGen C0752166, MONDO:0015229.

Allele frequency attached by ClinVar (database versions not stated): ExAC 0.00001; gnomAD 0.00001; gnomAD exomes 0.00001.

Submission:

Labcorp Genetics (formerly Invitae), Labcorp
Classification: Uncertain significance for Bardet-Biedl syndrome. Last evaluated: 2021-08-27. Review status: criteria provided, single submitter. Criteria: Invitae Variant Classification Sherloc (09022015). Collection method: clinical testing. Allele origin: germline.
Comment: This sequence change replaces serine with asparagine at codon 119 of the TTC8 protein (p.Ser119Asn). The serine residue is moderately conserved and there is a small physicochemical difference between serine and asparagine. This variant is present in population databases (rs761817038, ExAC 0.006%). This variant has not been reported in the literature in individuals affected with TTC8-related conditions. Algorithms developed to predict the effect of missense changes on protein structure and function (SIFT, PolyPhen-2, Align-GVGD) all suggest that this variant is likely to be tolerated. In summary, the available evidence is currently insufficient to determine the role of this variant in disease. Therefore, it has been classified as a Variant of Uncertain Significance.

NM_144596.4(TTC8):c.386G>A (p.Ser129Asn)

Gene: TTC8 (tetratricopeptide repeat domain 8; plus strand). Cytogenetic location: 14q31.3.
Variant type: single nucleotide variant.
Coding change: c.386G>A on transcript NM_144596.4 (MANE Select); coding-DNA position 386, G replaced by A.
Protein change: p.Ser129Asn; replaces serine 129 with asparagine.
Molecular consequence: missense variant. On other transcripts: 5 prime UTR variant (2), non-coding transcript variant (1).
Genome position (GRCh38, 1-based): chr14:88,841,093, G>A. VCF-style: chr14-88841093-G-A. GRCh37 (hg19) VCF-style: chr14-89307437-G-A.
Other names: c.356G>A, p.Ser119Asn (NM_001288781.1, NM_001366535.2, NM_001366536.2 and 2 more transcripts); c.-207G>A (NM_001288782.1); c.-302G>A (NM_001288783.1); short protein forms S119N, S129N.
Identifiers: ClinVar variation 968971 (VCV000968971.7), dbSNP rs761817038, ClinGen allele CA7302457.
Genomic context (GRCh38, chr14:88,841,093, plus strand): 5'-ACAGGCCAATCACACAAGCTGGAAGACCCATTACAGGTTTCCTCAGGCCCAGCACGCAGA[G>A]TGGAAGGCCAGGCACTATGGAACAGGCTATCAGAACACCCAGAACCGCCTACACAGCCCG-3'
Protein context (NP_653197.2, residues 119-139): ITGFLRPSTQ[Ser129Asn]GRPGTMEQAI